The following is an entry in ClinVar:

NM_001754.5(RUNX1):c.861C>T (p.Tyr287=)

Gene: RUNX1 (RUNX family transcription factor 1; minus strand). Cytogenetic location: 21q22.12.
Variant type: single nucleotide variant.
Coding change: c.861C>T on transcript NM_001754.5 (MANE Select); coding-DNA position 861, C replaced by T.
Protein change: p.Tyr287=; no amino-acid change (tyrosine 287 retained).
Molecular consequence: synonymous variant.
Genome position (GRCh38, 1-based): chr21:34,799,407, G>A on the plus strand (C>T on the coding strand, the complement: RUNX1 is on the minus strand). VCF-style: chr21-34799407-G-A. GRCh37 (hg19) VCF-style: chr21-36171704-G-A.
Other names: NM_001754.5(RUNX1):c.861C>T; p.Tyr287=; c.780C>T, p.Tyr260= (NM_001001890.3).
Identifiers: ClinVar variation 760670 (VCV000760670.13), dbSNP rs121912499, ClinGen allele CA512232261.

ClinVar aggregate classification (germline): Likely benign. Review status: reviewed by expert panel (3 of 4 stars). 3 submissions from 3 submitters: Likely benign (1). 2 of the submissions do not count toward it. Last evaluated 2026-04-29.

Conditions:
Inborn genetic diseases. Identifiers: MedGen C0950123, MeSH D030342.
Hereditary thrombocytopenia and hematological cancer predisposition syndrome associated with RUNX1. Also called: PLATELET DISORDER, ASPIRIN-LIKE; Familial Platelet Disorder with Propensity to Acute Myelogenous Leukemia; Familial thrombocytopenia with propensity to acute myelogenous leukemia; RUNX1 Familial Platelet Disorder with Associated Myeloid Malignancies. Identifiers: Orphanet 71290, MedGen C1832388, MeSH C563324, MONDO:0100083, OMIM 601399.
Hereditary thrombocytopenia and hematologic cancer predisposition syndrome. Identifiers: Orphanet 71290, MedGen CN281654, MONDO:0011071.

Allele frequency attached by ClinVar (database versions not stated): TOPMed below 0.00001.

Submissions (3):

ClinGen Myeloid Malignancy Variant Curation Expert Panel
Classification: Likely benign for Hereditary thrombocytopenia and hematologic cancer predisposition syndrome. Last evaluated: 2026-04-29. Review status: reviewed by expert panel. Criteria: ClinGen MyeloMalig ACMG Specifications V3.1. Collection method: curation. Allele origin: germline. Inheritance: Autosomal dominant inheritance.
Comment: NM_001754.5(RUNX1):c.861C>T (p.Tyr287=) is a synonymous variant which has a SpliceAI score ≤ 0.20 (0.00) (BP4, BP7). This variant is completely absent from all population databases with at least 20x coverage for RUNX1 (PM2_supporting). In summary, this variant meets criteria to be classified as likely benign. ACMG/AMP criteria applied, as specified by the Myeloid Malignancy Variant Curation Expert Panel for RUNX1: BP4, BP7, PM2_supporting.

Ambry Genetics
Classification: Likely benign for Inborn genetic diseases. Last evaluated: 2025-11-02. Review status: criteria provided, single submitter. Criteria: Ambry Variant Classification Scheme 2023. Collection method: clinical testing. Allele origin: germline. Not counted in ClinVar's aggregate classification.

Labcorp Genetics (formerly Invitae), Labcorp
Classification: Likely benign for Hereditary thrombocytopenia and hematological cancer predisposition syndrome associated with RUNX1. Last evaluated: 2022-12-05. Review status: criteria provided, single submitter. Criteria: Invitae Variant Classification Sherloc (09022015). Collection method: clinical testing. Allele origin: germline. Not counted in ClinVar's aggregate classification.